The following is an entry in ClinVar:

NM_001378615.1(CC2D2A):c.3975+5G>A

Genes: CC2D2A (coiled-coil and C2 domain containing 2A; plus strand), FBXL5 (F-box and leucine rich repeat protein 5; minus strand). Cytogenetic location: 4p15.32.
Variant type: single nucleotide variant.
Coding change: c.3975+5G>A on transcript NM_001378615.1 (MANE Select); 5 bases into the intron after coding-DNA position 3975, G replaced by A.
Molecular consequence: intron variant.
Genome position (GRCh38, 1-based): chr4:15,580,176, G>A. VCF-style: chr4-15580176-G-A. GRCh37 (hg19) VCF-style: chr4-15581799-G-A.
Other names: c.3975+5G>A (NM_001080522.2); c.3828+5G>A (NM_001378617.1).
Identifiers: ClinVar variation 1722848 (VCV001722848.2), dbSNP rs1720598637, ClinGen allele CA1440680175.

ClinVar aggregate classification (germline): Uncertain significance (1 of 4 stars; one submission).

Submission:

GeneDx
Classification: Uncertain significance. Last evaluated: 2022-05-05. Review status: criteria provided, single submitter. Criteria: GeneDx Variant Classification Process June 2021. Collection method: clinical testing. Allele origin: germline. Affected: yes.
Comment: Not observed at significant frequency in large population cohorts (gnomAD); Intronic +5 splice site variant in a gene for which loss of function is a known mechanism of disease, and both splice predictors and evolutionary conservation support a deleterious effect, although in the absence of functional evidence the actual effect of this sequence change is unknown.; Has not been previously published as pathogenic or benign to our knowledge